The following is an entry in ClinVar:

ClinVar aggregate classification (germline): Conflicting classifications of pathogenicity. Review status: criteria provided, conflicting classifications (1 of 4 stars). 2 submissions from 2 submitters: Uncertain significance (1); Benign (1). Last evaluated 2026-04-01.

Conditions:
Spastic paraplegia. Identifiers: MedGen C0037772, HP:0001258.

Allele frequency attached by ClinVar (database versions not stated): ExAC 0.00002; gnomAD 0.00004; TOPMed 0.00007; ESP Exome Variant Server 0.00015.

Submissions (2):

CeGaT Center for Human Genetics Tuebingen
Classification: Uncertain significance. Last evaluated: 2026-04-01. Review status: criteria provided, single submitter. Criteria: CeGaT Center For Human Genetics Tuebingen Variant Classification Criteria Version 2. Collection method: clinical testing. Allele origin: germline. Affected: yes. Observed: 1 variant allele.
Comment: SACS: PM2

Labcorp Genetics (formerly Invitae), Labcorp
Classification: Benign for Spastic paraplegia. Last evaluated: 2023-06-23. Review status: criteria provided, single submitter. Criteria: Invitae Variant Classification Sherloc (09022015). Collection method: clinical testing. Allele origin: germline.

NM_014363.6(SACS):c.484G>A (p.Ala162Thr)

Gene: SACS (sacsin molecular chaperone; minus strand). Cytogenetic location: 13q12.12.
Variant type: single nucleotide variant.
Coding change: c.484G>A on transcript NM_014363.6 (MANE Select); coding-DNA position 484, G replaced by A.
Protein change: p.Ala162Thr; replaces alanine 162 with threonine.
Molecular consequence: missense variant.
Genome position (GRCh38, 1-based): chr13:23,358,455, C>T on the plus strand (G>A on the coding strand, the complement: SACS is on the minus strand). VCF-style: chr13-23358455-C-T. GRCh37 (hg19) VCF-style: chr13-23932594-C-T.
Other names: c.43G>A, p.Ala15Thr (NM_001278055.2); short protein forms A15T, A162T.
Identifiers: ClinVar variation 2741252 (VCV002741252.5), dbSNP rs34482854, ClinGen allele CA6912069.
Genomic context (GRCh38, chr13:23,358,455, plus strand): 5'-CCTTTTTCCTGCTTCTTGCTATTTCTTGAATGCCGTGCCAGTCCTCTGGGGTGAAAACCG[C>T]GTTGTTGTACACATAGAGAGCTGGCCCTAGGTGTGAAAATGCGCAGGCAGGAATTCAAAA-3'
Protein context (NP_055178.3, residues 152-172): QGPALYVYNN[Ala162Thr]VFTPEDWHGI